The following is an entry in ClinVar:

NM_003620.4(PPM1D):c.1808G>A (p.Cys603Tyr)

Gene: PPM1D (protein phosphatase, Mg2+/Mn2+ dependent 1D; plus strand). Cytogenetic location: 17q23.2.
Variant type: single nucleotide variant.
Coding change: c.1808G>A on transcript NM_003620.4 (MANE Select); coding-DNA position 1808, G replaced by A.
Protein change: p.Cys603Tyr; replaces cysteine 603 with tyrosine.
Molecular consequence: missense variant.
Genome position (GRCh38, 1-based): chr17:60,663,542, G>A. VCF-style: chr17-60663542-G-A. GRCh37 (hg19) VCF-style: chr17-58740903-G-A.
Other names: short protein forms C603Y.
Identifiers: ClinVar variation 2884721 (VCV002884721.3), dbSNP rs1421958284, ClinGen allele CA400459385.

ClinVar aggregate classification (germline): Uncertain significance (1 of 4 stars; one submission).

Allele frequency attached by ClinVar (database versions not stated): gnomAD exomes below 0.00001; TOPMed 0.00001; gnomAD 0.00002.
gnomAD v4.1: 4 of 1,606,006 alleles (0.00025%); highest among the groups gnomAD compares: African/African-American, 0.0027%; no homozygotes.

Submission:

Labcorp Genetics (formerly Invitae), Labcorp
Classification: Uncertain significance. Last evaluated: 2023-09-08. Review status: criteria provided, single submitter. Criteria: Invitae Variant Classification Sherloc (09022015). Collection method: clinical testing. Allele origin: germline.
Comment: This sequence change replaces cysteine, which is neutral and slightly polar, with tyrosine, which is neutral and polar, at codon 603 of the PPM1D protein (p.Cys603Tyr). This variant is present in population databases (no rsID available, gnomAD 0.005%). This variant has not been reported in the literature in individuals affected with PPM1D-related conditions. An algorithm developed to predict the effect of missense changes on protein structure and function (PolyPhen-2) suggests that this variant is likely to be disruptive. In summary, the available evidence is currently insufficient to determine the role of this variant in disease. Therefore, it has been classified as a Variant of Uncertain Significance.